The following is an entry in ClinVar:

ClinVar aggregate classification (germline): Likely pathogenic (1 of 4 stars; one submission).

Allele frequency attached by ClinVar (database versions not stated): TOPMed below 0.00001; gnomAD exomes below 0.00001.
gnomAD v4.1: 2 of 1,611,254 alleles (0.00012%); highest among the groups gnomAD compares: Non-Finnish European, 0.00017%; no homozygotes.

Submission:

GeneDx
Classification: Likely pathogenic. Last evaluated: 2026-09-25. Review status: criteria provided, single submitter. Criteria: GeneDx Variant Classification Process June 2021. Collection method: clinical testing. Allele origin: germline.
Comment: Not observed at significant frequency in large population cohorts (gnomAD); Missense variants in this gene are a common cause of disease and they are underrepresented in the general population; In silico analysis supports that this missense variant has a deleterious effect on protein structure/function; Has not been previously published as pathogenic or benign to our knowledge; This variant is associated with the following publications: (PMID: 17603483, 17603482, 19020799, 24957944, 15520807, 29493581, 9689060)

NM_002880.4(RAF1):c.1535T>C (p.Met512Thr)

Gene: RAF1 (Raf-1 proto-oncogene, serine/threonine kinase; minus strand). Cytogenetic location: 3p25.2.
Variant type: single nucleotide variant.
Coding change: c.1535T>C on transcript NM_002880.4 (MANE Select); coding-DNA position 1535, T replaced by C.
Protein change: p.Met512Thr; replaces methionine 512 with threonine.
Molecular consequence: missense variant. On other transcripts: non-coding transcript variant (3).
Genome position (GRCh38, 1-based): chr3:12,585,682, A>G on the plus strand (T>C on the coding strand, the complement: RAF1 is on the minus strand). VCF-style: chr3-12585682-A-G. GRCh37 (hg19) VCF-style: chr3-12627181-A-G.
Other names: c.1595T>C, p.Met532Thr (NM_001354689.3); c.1535T>C, p.Met512Thr (NM_001354690.3); c.1292T>C, p.Met431Thr (NM_001354691.3, NM_001354692.3); c.1436T>C, p.Met479Thr (NM_001354693.3); c.1352T>C, p.Met451Thr (NM_001354694.3); c.1193T>C, p.Met398Thr (NM_001354695.3); short protein forms M512T, M398T, M451T, M479T, M431T, M532T.
Identifiers: ClinVar variation 280925 (VCV000280925.3), dbSNP rs886042042, ClinGen allele CA10602863.